The following is an entry in ClinVar:

ClinVar aggregate classification (germline): Uncertain significance (1 of 4 stars; one submission).

Submission:

Labcorp Genetics (formerly Invitae), Labcorp
Classification: Uncertain significance. Last evaluated: 2022-09-14. Review status: criteria provided, single submitter. Criteria: Invitae Variant Classification Sherloc (09022015). Collection method: clinical testing. Allele origin: germline.
Comment: This sequence change replaces proline, which is neutral and non-polar, with threonine, which is neutral and polar, at codon 732 of the DGKZ protein (p.Pro732Thr). This variant is not present in population databases (gnomAD no frequency). This variant has not been reported in the literature in individuals affected with DGKZ-related conditions. Algorithms developed to predict the effect of missense changes on protein structure and function are either unavailable or do not agree on the potential impact of this missense change (SIFT: "Deleterious"; PolyPhen-2: "Probably Damaging"; Align-GVGD: "Class C0"). In summary, the available evidence is currently insufficient to determine the role of this variant in disease. Therefore, it has been classified as a Variant of Uncertain Significance.

NM_001199267.2(DGKZ):c.1627C>A (p.Pro543Thr)

Gene: DGKZ (diacylglycerol kinase zeta; plus strand). Cytogenetic location: 11p11.2.
Variant type: single nucleotide variant.
Coding change: c.1627C>A on transcript NM_001199267.2 (MANE Select); coding-DNA position 1627, C replaced by A.
Protein change: p.Pro543Thr; replaces proline 543 with threonine.
Molecular consequence: missense variant.
Genome position (GRCh38, 1-based): chr11:46,374,965, C>A. VCF-style: chr11-46374965-C-A. GRCh37 (hg19) VCF-style: chr11-46396515-C-A.
Other names: c.2194C>A, p.Pro732Thr (NM_001105540.2); c.1630C>A, p.Pro544Thr (NM_001199266.2, NM_003646.4); c.1561C>A, p.Pro521Thr (NM_001199268.2); c.1678C>A, p.Pro560Thr (NM_201532.3); c.1642C>A, p.Pro548Thr (NM_201533.3); short protein forms P521T, P548T, P732T, P544T, P543T, P560T.
Identifiers: ClinVar variation 2016076 (VCV002016076.4), dbSNP rs2496536698, ClinGen allele CA380223614.